The following is an entry in ClinVar:

NM_000321.3(RB1):c.1790dup (p.Asn598fs)

Gene: RB1 (RB transcriptional corepressor 1; plus strand). Cytogenetic location: 13q14.2.
Variant type: Duplication.
Coding change: c.1790dup on transcript NM_000321.3 (MANE Select); coding-DNA position 1790, one base duplicated (A; older notation c.1790dupA).
Protein change: p.Asn598fs; shifts the reading frame from asparagine 598.
Molecular consequence: frameshift variant.
Genome position (GRCh38, 1-based): chr13:48,453,087, A duplicated. VCF-style (leftmost placement, unchanged base first): chr13-48453086-C-CA. GRCh37 (hg19) VCF-style: chr13-49027222-C-CA.
Other names: c.1790dup, p.Asn598fs (NM_001407165.1); short protein forms N598fs.
Identifiers: ClinVar variation 3237027 (VCV003237027.1), dbSNP rs2542360825.

ClinVar aggregate classification (germline): Pathogenic (1 of 4 stars; one submission).

Conditions:
Retinoblastoma (RB1). Also called: RETINOBLASTOMA, SOMATIC. Identifiers: Orphanet 790, MedGen C0035335, MeSH D012175, MONDO:0008380, OMIM 180200, HP:0009919. Disease mechanism: loss of function. Inheritance: Both sporadic and heritable forms are tested..

Submission:

Genetic Diagnostic Laboratory, University of Pennsylvania School of Medicine
Classification: Pathogenic for Retinoblastoma. Last evaluated: 2024-05-20. Review status: criteria provided, single submitter. Criteria: ACMG Guidelines, 2015. Collection method: clinical testing. Allele origin: germline. Affected: yes. Observed: 1 variant allele.
Comment: Case and Pedigree Information: BILATERAL CASES:1, UNILATERAL CASES:0, TOTAL CASES:1, PEDIGREES:1. ACMG Codes Applied:PVS1, PM2